The following is an entry in ClinVar:

ClinVar aggregate classification (germline): Uncertain significance. Review status: criteria provided, multiple submitters, no conflicts (2 of 4 stars). 2 submissions from 2 submitters: Uncertain significance (2). Last evaluated 2022-08-13.

Conditions:
Autosomal recessive ataxia, Beauce type. Also called: Spinocerebellar ataxia, autosomal recessive 8; ATAXIA, RECESSIVE, OF BEAUCE; SYNE1 Deficiency; SYNE1-Related Autosomal Recessive Cerebellar Ataxia. Identifiers: Orphanet 88644, MedGen C1853116, MONDO:0012549, OMIM 610743.
Emery-Dreifuss muscular dystrophy 4, autosomal dominant (EDMD4). Also called: EMERY-DREIFUSS MUSCULAR DYSTROPHY 4 WITH VARIABLE FEATURES. Identifiers: Orphanet 261, MedGen C2751807, MONDO:0013071, OMIM 612998.

gnomAD v4.1: 1 of 1,613,836 alleles (0.000062%); highest among the groups gnomAD compares: Admixed American, 0.0017%; no homozygotes.

Submissions (2):

Labcorp Genetics (formerly Invitae), Labcorp
Classification: Uncertain significance for Emery-Dreifuss muscular dystrophy 4, autosomal dominant; Autosomal recessive ataxia, Beauce type. Last evaluated: 2022-08-13. Review status: criteria provided, single submitter. Criteria: Invitae Variant Classification Sherloc (09022015). Collection method: clinical testing. Allele origin: germline.
Comment: In summary, the available evidence is currently insufficient to determine the role of this variant in disease. Therefore, it has been classified as a Variant of Uncertain Significance. Algorithms developed to predict the effect of missense changes on protein structure and function (SIFT, PolyPhen-2, Align-GVGD) all suggest that this variant is likely to be disruptive. ClinVar contains an entry for this variant (Variation ID: 287787). This variant has not been reported in the literature in individuals affected with SYNE1-related conditions. This variant is present in population databases (no rsID available, gnomAD 0.003%). This sequence change replaces aspartic acid, which is acidic and polar, with tyrosine, which is neutral and polar, at codon 2124 of the SYNE1 protein (p.Asp2124Tyr).

Eurofins Ntd Llc (ga)
Classification: Uncertain significance. Last evaluated: 2016-05-03. Review status: criteria provided, single submitter. Criteria: EGL Classification Definitions 2015. Collection method: clinical testing. Allele origin: germline. Observed: 1 variant allele, 1 heterozygote.

NM_182961.4(SYNE1):c.6349G>T (p.Asp2117Tyr)

Gene: SYNE1 (spectrin repeat containing nuclear envelope protein 1; minus strand). Cytogenetic location: 6q25.2.
Variant type: single nucleotide variant.
Coding change: c.6349G>T on transcript NM_182961.4 (MANE Select); coding-DNA position 6349, G replaced by T.
Protein change: p.Asp2117Tyr; replaces aspartic acid 2117 with tyrosine.
Molecular consequence: missense variant.
Genome position (GRCh38, 1-based): chr6:152,409,591, C>A on the plus strand (G>T on the coding strand, the complement: SYNE1 is on the minus strand). VCF-style: chr6-152409591-C-A. GRCh37 (hg19) VCF-style: chr6-152730726-C-A.
Other names: c.6370G>T, p.Asp2124Tyr (NM_033071.5); short protein forms D2117Y, D2124Y.
Identifiers: ClinVar variation 287787 (VCV000287787.9), dbSNP rs200640405, ClinGen allele CA10605873.
Genomic context (GRCh38, chr6:152,409,591, plus strand): 5'-ACCAACATAAACACATTTTGAATTTTACCTTGGAAAAAGCCCATTTAAGATCCTCCTGAT[C>A]TTTTATGGTAGTTCTGGTTACAATCACACTGCTGGCATTTTCTAAGACTTTAGATACAGC-3'
Protein context (NP_892006.3, residues 2107-2127): SVIVTRTTIK[Asp2117Tyr]QEDLKWAFSK